The following is an entry in ClinVar:

NM_182495.6(NXPE2):c.1629G>A (p.Pro543=)

Gene: NXPE2 (neurexophilin and PC-esterase domain family member 2; plus strand). Cytogenetic location: 11q23.3.
Variant type: single nucleotide variant.
Coding change: c.1629G>A on transcript NM_182495.6 (MANE Select); coding-DNA position 1629, G replaced by A.
Protein change: p.Pro543=; no amino-acid change (proline 543 retained).
Molecular consequence: synonymous variant.
Genome position (GRCh38, 1-based): chr11:114,706,879, G>A. VCF-style: chr11-114706879-G-A. GRCh37 (hg19) VCF-style: chr11-114577601-G-A.
Identifiers: ClinVar variation 2642392 (VCV002642392.24), dbSNP rs201985306, ClinGen allele CA6287366.
Genomic context (GRCh38, chr11:114,706,879, plus strand): 5'-GGGTATTATTGATGCCTGGGACATGACGATTGCATATTGCACCAACAATGCCCATCCACC[G>A]GATTATGTGATTCAAAATCAGATTGGCATGTTCTTAAACTACATTTGTTAGAGGAAAAAT-3'
Protein context (NP_872301.2, residues 533-553): IAYCTNNAHP[Pro543=]DYVIQNQIGM

ClinVar aggregate classification (germline): Likely benign (1 of 4 stars; one submission).

Allele frequency attached by ClinVar (database versions not stated): TOPMed 0.00010; gnomAD 0.00011; gnomAD exomes 0.00013; ExAC 0.00014; 1000 Genomes Project 30x 0.00016; 1000 Genomes Project 0.00020.
gnomAD v4.1: 211 of 1,550,884 alleles (0.014%); highest among the groups gnomAD compares: Non-Finnish European, 0.016%; no homozygotes.

Submission:

CeGaT Center for Human Genetics Tuebingen
Classification: Likely benign. Last evaluated: 2023-03-01. Review status: criteria provided, single submitter. Criteria: CeGaT Center For Human Genetics Tuebingen Variant Classification Criteria Version 2. Collection method: clinical testing. Allele origin: germline. Affected: yes. Observed: 1 variant allele.
Comment: NXPE2: BP4, BP7